The following is an entry in ClinVar:

NM_015972.4(POLR1D):c.136G>A (p.Glu46Lys)

Genes: POLR1D (RNA polymerase I and III subunit D; plus strand), LOC147380392 (uncharacterized LOC147380392; plus strand). Cytogenetic location: 13q12.2.
Variant type: single nucleotide variant.
Coding change: c.136G>A on transcript NM_015972.4 (MANE Select); coding-DNA position 136, G replaced by A.
Protein change: p.Glu46Lys; replaces glutamic acid 46 with lysine.
Molecular consequence: missense variant. On other transcripts: intron variant (2).
Genome position (GRCh38, 1-based): chr13:27,622,984, G>A. VCF-style: chr13-27622984-G-A. GRCh37 (hg19) VCF-style: chr13-28197121-G-A.
Other names: c.136G>A, p.Glu46Lys (NM_001374407.1); c.-59+1844G>A (NM_001206559.2); c.26+975G>A (NM_152705.3); short protein forms E46K.
Identifiers: ClinVar variation 3675595 (VCV003675595.2).
Genomic context (GRCh38, chr13:27,622,984, plus strand): 5'-GCCCTGGAAATGGTCCAGGCAGCTGGAACAGATAGACACTGTGTGACATTTGTATTGCAC[G>A]AGGAAGACCATACCCTAGGAAATTCTCTACGTTACATGATCATGAAGAACCCGGAAGTGG-3'
Protein context (NP_057056.1, residues 36-56): DRHCVTFVLH[Glu46Lys]EDHTLGNSLR

ClinVar aggregate classification (germline): Uncertain significance (1 of 4 stars; one submission).

gnomAD v4.1: 19 of 1,614,084 alleles (0.0012%); highest among the groups gnomAD compares: Non-Finnish European, 0.0014%; no homozygotes.

Submission:

Labcorp Genetics (formerly Invitae), Labcorp
Classification: Uncertain significance. Last evaluated: 2024-12-14. Review status: criteria provided, single submitter. Criteria: Invitae Variant Classification Sherloc (09022015). Collection method: clinical testing. Allele origin: germline.
Comment: This sequence change replaces glutamic acid, which is acidic and polar, with lysine, which is basic and polar, at codon 46 of the POLR1D protein (p.Glu46Lys). This variant is present in population databases (no rsID available, gnomAD 0.003%). This variant has not been reported in the literature in individuals affected with POLR1D-related conditions. An algorithm developed to predict the effect of missense changes on protein structure and function (PolyPhen-2) suggests that this variant is likely to be tolerated. In summary, the available evidence is currently insufficient to determine the role of this variant in disease. Therefore, it has been classified as a Variant of Uncertain Significance.